The following is an entry in ClinVar:

NM_001037131.3(AGAP1):c.41G>A (p.Arg14Gln)

Gene: AGAP1 (ArfGAP with GTPase domain, ankyrin repeat and PH domain 1; plus strand). Cytogenetic location: 2q37.2.
Variant type: single nucleotide variant.
Coding change: c.41G>A on transcript NM_001037131.3 (MANE Select); coding-DNA position 41, G replaced by A.
Protein change: p.Arg14Gln; replaces arginine 14 with glutamine.
Molecular consequence: missense variant.
Genome position (GRCh38, 1-based): chr2:235,494,727, G>A. VCF-style: chr2-235494727-G-A. GRCh37 (hg19) VCF-style: chr2-236403371-G-A.
Other names: c.41G>A, p.Arg14Gln (NM_001244888.2, NM_001412122.1, NM_014914.5); short protein forms R14Q.
Identifiers: ClinVar variation 2060864 (VCV002060864.4), dbSNP rs374694232, ClinGen allele CA2184134.

ClinVar aggregate classification (germline): Uncertain significance (1 of 4 stars; one submission).

Allele frequency attached by ClinVar (database versions not stated): gnomAD exomes 0.00002; ExAC 0.00003; TOPMed 0.00003; gnomAD 0.00004; ESP Exome Variant Server 0.00008.

Submission:

Labcorp Genetics (formerly Invitae), Labcorp
Classification: Uncertain significance. Last evaluated: 2022-07-09. Review status: criteria provided, single submitter. Criteria: Invitae Variant Classification Sherloc (09022015). Collection method: clinical testing. Allele origin: germline.
Comment: This sequence change replaces arginine, which is basic and polar, with glutamine, which is neutral and polar, at codon 14 of the AGAP1 protein (p.Arg14Gln). The frequency data for this variant in the population databases is considered unreliable, as metrics indicate poor data quality at this position in the gnomAD database. This variant has not been reported in the literature in individuals affected with AGAP1-related conditions. Algorithms developed to predict the effect of missense changes on protein structure and function are either unavailable or do not agree on the potential impact of this missense change (SIFT: "Tolerated"; PolyPhen-2: "Possibly Damaging"; Align-GVGD: "Class C0"). In summary, the available evidence is currently insufficient to determine the role of this variant in disease. Therefore, it has been classified as a Variant of Uncertain Significance.